The following is an entry in ClinVar:

ClinVar aggregate classification (germline): Likely benign (1 of 4 stars; one submission).

gnomAD v4.1: 292 of 1,614,198 alleles (0.018%); highest among the groups gnomAD compares: Admixed American, 0.093%; 1 homozygote.

Submissions (2):

CeGaT Center for Human Genetics Tuebingen
Classification: Likely benign. Last evaluated: 2026-09-01. Review status: criteria provided, single submitter. Criteria: CeGaT Center For Human Genetics Tuebingen Variant Classification Criteria Version 2. Collection method: clinical testing. Allele origin: germline. Affected: yes. Observed: 1 variant allele.
Comment: PLAAT3: BP4, BP7

Dr. Peter K. Rogan Lab, Western University
No classification provided (evidence only). Condition: Clear cell carcinoma of kidney. Review status: no classification provided. Collection method: in vitro. Allele origin: not applicable. Functional consequence: skipped exon. Not counted in ClinVar's aggregate classification.

NM_001128203.2(PLAAT3):c.210G>A (p.Gly70=)

Gene: PLAAT3 (phospholipase A and acyltransferase 3; minus strand). Cytogenetic location: 11q12.3.
Variant type: single nucleotide variant.
Coding change: c.210G>A on transcript NM_001128203.2 (MANE Select); coding-DNA position 210, G replaced by A.
Protein change: p.Gly70=; no amino-acid change (glycine 70 retained).
Molecular consequence: synonymous variant.
Genome position (GRCh38, 1-based): chr11:63,590,277, C>T on the plus strand (G>A on the coding strand, the complement: PLAAT3 is on the minus strand). VCF-style: chr11-63590277-C-T. GRCh37 (hg19) VCF-style: chr11-63357749-C-T.
Other names: NC_000011.9:g.63357749C>T; c.210G>A, p.Gly70= (NM_007069.3).
Identifiers: ClinVar variation 4373674 (VCV004373674.2).